The following is an entry in ClinVar:

ClinVar aggregate classification (germline): Likely pathogenic. Review status: criteria provided, multiple submitters, no conflicts (2 of 4 stars). 2 submissions from 2 submitters: Likely pathogenic (2). Last evaluated 2024-10-03.

Conditions:
Aplastic anemia. Identifiers: Orphanet 182040, Orphanet 88, MedGen C0002874, MONDO:0015909, OMIM 609135, HP:0001915.
Microcephaly, normal intelligence and immunodeficiency (NBS). Also called: IMMUNODEFICIENCY, MICROCEPHALY, AND CHROMOSOMAL INSTABILITY; SEEMANOVA SYNDROME II; Nijmegen breakage syndrome; Microcephaly with normal intelligence immunodeficiency and lymphoreticular malignancies; Nonsyndromal microcephaly autosomal recessive with normal intelligence; Seemanova syndrome 2. Identifiers: Orphanet 647, MedGen C0398791, MONDO:0009623, OMIM 251260.

Submissions (2):

Natera, Inc.
Classification: Likely pathogenic for Nijmegen breakage syndrome. Last evaluated: 2024-10-03. Review status: criteria provided, single submitter. Criteria: Natera Variant Classification Schema (03/2026). Collection method: clinical testing. Allele origin: germline.
Comment: The c.994+1G>A variant in NBN is a canonical splice donor site variant predicted to affect pre-mRNA splicing, which may result in an abnormal transcript and altered protein product. This variant is expected to result in nonsense mediated decay, truncation, or a dysfunctional protein product. This variant is rare in the general population with a frequency below the threshold expected for the associated phenotype(s). Given the available evidence, this variant is classified as Likely Pathogenic.

Baylor Genetics
Classification: Likely pathogenic for Aplastic anemia. Last evaluated: 2022-03-30. Review status: criteria provided, single submitter. Criteria: ACMG Guidelines, 2015. Collection method: clinical testing. Allele origin: unknown.

NM_002485.5(NBN):c.994+1G>A

Gene: NBN (nibrin; minus strand). Cytogenetic location: 8q21.3.
Variant type: single nucleotide variant.
Coding change: c.994+1G>A on transcript NM_002485.5 (MANE Select); the canonical splice donor site of the intron after coding-DNA position 994, G replaced by A.
Molecular consequence: splice donor variant.
Genome position (GRCh38, 1-based): chr8:89,964,409, C>T on the plus strand (G>A on the coding strand, the complement: NBN is on the minus strand). VCF-style: chr8-89964409-C-T. GRCh37 (hg19) VCF-style: chr8-90976637-C-T.
Other names: c.748+1G>A (NM_001024688.3).
Identifiers: ClinVar variation 2676963 (VCV002676963.2), dbSNP rs1554562083, ClinGen allele CA371656836.
Genomic context (GRCh38, chr8:89,964,409, plus strand): 5'-TTAGCTTATCGATTTACATAATAAAGTTGCTAACGAATCAATAAAATAATGCTTCAATTA[C>T]CTGTACTGGGATGGCCCTGAGGATCACAGTAATTCTTTGTAGTCATGAAAATCACCGCCA-3'